The following is an entry in ClinVar:

NM_001378615.1(CC2D2A):c.2605C>T (p.Pro869Ser)

Genes: CC2D2A (coiled-coil and C2 domain containing 2A; plus strand), FBXL5 (F-box and leucine rich repeat protein 5; minus strand). Cytogenetic location: 4p15.32.
Variant type: single nucleotide variant.
Coding change: c.2605C>T on transcript NM_001378615.1 (MANE Select); coding-DNA position 2605, C replaced by T.
Protein change: p.Pro869Ser; replaces proline 869 with serine.
Molecular consequence: missense variant.
Genome position (GRCh38, 1-based): chr4:15,555,190, C>T. VCF-style: chr4-15555190-C-T. GRCh37 (hg19) VCF-style: chr4-15556813-C-T.
Other names: c.2605C>T, p.Pro869Ser (NM_001080522.2); c.2458C>T, p.Pro820Ser (NM_001378617.1); short protein forms P820S, P869S.
Identifiers: ClinVar variation 1478825 (VCV001478825.8), dbSNP rs772863864, ClinGen allele CA356420806.

ClinVar aggregate classification (germline): Uncertain significance (1 of 4 stars; one submission).

Conditions:
Joubert syndrome. Also called: JOUBERT-BOLTSHAUSER SYNDROME; Familial aplasia of the vermis. Identifiers: Orphanet 475, MedGen C5979921, MONDO:0018772.
Meckel-Gruber syndrome. Also called: DYSENCEPHALIA SPLANCHNOCYSTICA; GRUBER SYNDROME; Dysencephalia splachnocystica. Identifiers: Orphanet 564, MedGen C0265215, MONDO:0018921.

Submission:

Labcorp Genetics (formerly Invitae), Labcorp
Classification: Uncertain significance for Joubert syndrome; Meckel-Gruber syndrome. Last evaluated: 2020-12-17. Review status: criteria provided, single submitter. Criteria: Invitae Variant Classification Sherloc (09022015). Collection method: clinical testing. Allele origin: germline.
Comment: Algorithms developed to predict the effect of missense changes on protein structure and function output the following: SIFT: "Tolerated"; PolyPhen-2: "Benign"; Align-GVGD: "Class C0". The serine amino acid residue is found in multiple mammalian species, suggesting that this missense change does not adversely affect protein function. These predictions have not been confirmed by published functional studies and their clinical significance is uncertain. In summary, the available evidence is currently insufficient to determine the role of this variant in disease. Therefore, it has been classified as a Variant of Uncertain Significance. This sequence change replaces proline with serine at codon 869 of the CC2D2A protein (p.Pro869Ser). The proline residue is weakly conserved and there is a moderate physicochemical difference between proline and serine. This variant is not present in population databases (ExAC no frequency). This variant has not been reported in the literature in individuals with CC2D2A-related conditions.